The following is an entry in ClinVar:

NM_000093.5(COL5A1):c.432G>T (p.Thr144=)

Gene: COL5A1 (collagen type V alpha 1 chain; plus strand). Cytogenetic location: 9q34.3.
Variant type: single nucleotide variant.
Coding change: c.432G>T on transcript NM_000093.5 (MANE Select); coding-DNA position 432, G replaced by T.
Protein change: p.Thr144=; no amino-acid change (threonine 144 retained).
Molecular consequence: synonymous variant.
Genome position (GRCh38, 1-based): chr9:134,700,063, G>T. VCF-style: chr9-134700063-G-T. GRCh37 (hg19) VCF-style: chr9-137591909-G-T.
Other names: c.432G>T, p.Thr144= (NM_001278074.1).
Identifiers: ClinVar variation 913576 (VCV000913576.8), dbSNP rs528963362, ClinGen allele CA5318292.

ClinVar aggregate classification (germline): Likely benign. Review status: criteria provided, multiple submitters, no conflicts (2 of 4 stars). 3 submissions from 3 submitters: Likely benign (3). Last evaluated 2023-09-04.

Conditions:
Familial thoracic aortic aneurysm and aortic dissection (TAAD). Also called: Thoracic aortic aneurysms and dissections. Identifiers: Orphanet 91387, MedGen C4707243, MONDO:0019625.
Ehlers-Danlos syndrome, classic type (cEDS). Identifiers: Orphanet 287, MedGen C4225429, MONDO:0007522.

Allele frequency attached by ClinVar (database versions not stated): TOPMed 0.00011.
gnomAD v4.1: 55 of 1,612,586 alleles (0.0034%); highest among the groups gnomAD compares: Middle Eastern, 0.05%; no homozygotes.

Submissions (3):

Blueprint Genetics
Classification: Likely benign. Last evaluated: 2023-09-04. Review status: criteria provided, single submitter. Criteria: ACMG Guidelines, 2015. Collection method: clinical testing. Allele origin: germline.

Ambry Genetics
Classification: Likely benign for Familial thoracic aortic aneurysm and aortic dissection. Last evaluated: 2022-03-06. Review status: criteria provided, single submitter. Criteria: Ambry Variant Classification Scheme 2023. Collection method: clinical testing. Allele origin: germline.

Illumina Laboratory Services, Illumina
Classification: Likely benign for Ehlers-Danlos syndrome, classic type, 1. Last evaluated: 2018-01-13. Review status: criteria provided, single submitter. Criteria: ICSL Variant Classification Criteria 13 December 2019. Collection method: clinical testing. Allele origin: germline.
Comment: This variant was observed in the ICSL laboratory as part of a predisposition screen in an ostensibly healthy population. It had not been previously curated by ICSL or reported in the Human Gene Mutation Database (HGMD: prior to June 1st, 2018), and was therefore a candidate for classification through an automated scoring system. Utilizing variant allele frequency, disease prevalence and penetrance estimates, and inheritance mode, an automated score was calculated to assess if this variant is too frequent to cause the disease. Based on the score and internal cut-off values, a variant classified as likely benign is not then subjected to further curation. The score for this variant resulted in a classification of likely benign for this disease.